The following is an entry in ClinVar:

ClinVar aggregate classification (germline): Benign (1 of 4 stars; one submission).

Conditions:
Sessile serrated polyposis cancer syndrome (SSPCS). Identifiers: Orphanet 157798, MedGen C4310714, MONDO:0014919, OMIM 617108.

Submission:

Myriad Genetics, Inc.
Classification: Benign for Sessile serrated polyposis cancer syndrome. Last evaluated: 2026-07-02. Review status: criteria provided, single submitter. Criteria: Myriad Autosomal Dominant, Autosomal Recessive and X-Linked Classification Criteria (2023). Collection method: clinical testing. Allele origin: unknown.
Comment: This variant is considered benign. This variant is a silent/synonymous amino acid change and it is not expected to impact splicing.

NM_017763.6(RNF43):c.1929A>G (p.Gln643=)

Gene: RNF43 (ring finger protein 43; minus strand). Cytogenetic location: 17q22.
Variant type: single nucleotide variant.
Coding change: c.1929A>G on transcript NM_017763.6 (MANE Select); coding-DNA position 1929, A replaced by G.
Protein change: p.Gln643=; no amino-acid change (glutamine 643 retained).
Molecular consequence: synonymous variant.
Genome position (GRCh38, 1-based): chr17:58,357,847, T>C on the plus strand (A>G on the coding strand, the complement: RNF43 is on the minus strand). VCF-style: chr17-58357847-T-C. GRCh37 (hg19) VCF-style: chr17-56435208-T-C.
Other names: c.1929A>G, p.Gln643= (NM_001305544.3, NM_001438820.1, NM_001438821.1 and 1 more transcripts); c.1548A>G, p.Gln516= (NM_001305545.2, NM_001437987.1).
Identifiers: ClinVar variation 5042422 (VCV005042422.1).